The following is an entry in ClinVar:

NM_001851.6(COL9A1):c.602T>C (p.Ile201Thr)

Gene: COL9A1 (collagen type IX alpha 1 chain; minus strand). Cytogenetic location: 6q13.
Variant type: single nucleotide variant.
Coding change: c.602T>C on transcript NM_001851.6 (MANE Select); coding-DNA position 602, T replaced by C.
Protein change: p.Ile201Thr; replaces isoleucine 201 with threonine.
Molecular consequence: missense variant.
Genome position (GRCh38, 1-based): chr6:70,294,261, A>G on the plus strand (T>C on the coding strand, the complement: COL9A1 is on the minus strand). VCF-style: chr6-70294261-A-G. GRCh37 (hg19) VCF-style: chr6-71003964-A-G.
Other names: c.602T>C, p.Ile201Thr (NM_001377291.1); short protein forms I201T.
Identifiers: ClinVar variation 3693063 (VCV003693063.2).

ClinVar aggregate classification (germline): Uncertain significance (1 of 4 stars; one submission).

gnomAD v4.1: 3 of 1,613,990 alleles (0.00019%); highest among the groups gnomAD compares: Middle Eastern, 0.016%; no homozygotes.

Submission:

Labcorp Genetics (formerly Invitae), Labcorp
Classification: Uncertain significance. Last evaluated: 2024-10-30. Review status: criteria provided, single submitter. Criteria: Invitae Variant Classification Sherloc (09022015). Collection method: clinical testing. Allele origin: germline.
Comment: This sequence change replaces isoleucine, which is neutral and non-polar, with threonine, which is neutral and polar, at codon 201 of the COL9A1 protein (p.Ile201Thr). The frequency data for this variant in the population databases is considered unreliable, as metrics indicate poor data quality at this position in the gnomAD database. This variant has not been reported in the literature in individuals affected with COL9A1-related conditions. Invitae Evidence Modeling of protein sequence and biophysical properties (such as structural, functional, and spatial information, amino acid conservation, physicochemical variation, residue mobility, and thermodynamic stability) indicates that this missense variant is not expected to disrupt COL9A1 protein function with a negative predictive value of 95%. In summary, the available evidence is currently insufficient to determine the role of this variant in disease. Therefore, it has been classified as a Variant of Uncertain Significance.